The following is an entry in ClinVar:

NM_000404.4(GLB1):c.918C>A (p.Tyr306Ter)

Gene: GLB1 (galactosidase beta 1; minus strand). Cytogenetic location: 3p22.3.
Variant type: single nucleotide variant.
Coding change: c.918C>A on transcript NM_000404.4 (MANE Select); coding-DNA position 918, C replaced by A.
Protein change: p.Tyr306Ter; replaces tyrosine 306 with a stop codon.
Molecular consequence: nonsense.
Genome position (GRCh38, 1-based): chr3:33,051,795, G>T on the plus strand (C>A on the coding strand, the complement: GLB1 is on the minus strand). VCF-style: chr3-33051795-G-T. GRCh37 (hg19) VCF-style: chr3-33093287-G-T.
Other names: c.828C>A, p.Tyr276Ter (NM_001079811.3); c.525C>A, p.Tyr175Ter (NM_001135602.3); c.1062C>A, p.Tyr354Ter (NM_001317040.2); short protein forms Y175*, Y276*, Y306*, Y354*.
Identifiers: ClinVar variation 983741 (VCV000983741.4), dbSNP rs1699002261, ClinGen allele CA352001074.

ClinVar aggregate classification (germline): Likely pathogenic (1 of 4 stars; one submission).

Conditions:
GLB1-related disorder. Also called: GLB1-related disorders. Identifiers: MedGen CN377807.

Submission:

Myriad Genetics, Inc.
Classification: Likely pathogenic for GLB1-related disorder. Last evaluated: 2019-12-22. Review status: criteria provided, single submitter. Criteria: Myriad Autosomal Dominant, Autosomal Recessive and X-Linked Classification Criteria (2023). Collection method: clinical testing. Allele origin: unknown.
Comment: NM_000404.2(GLB1):c.918C>A(Y306*) is expected to be pathogenic in the context of GLB1-related disorders. This variant is predicted to lead to an abnormal or absent protein product due to the creation of a premature termination codon in GLB1, a gene where loss-of-function variants are known to be pathogenic. Please note: this variant was assessed in the context of healthy population screening.